The following is an entry in ClinVar:

ClinVar aggregate classification (germline): Uncertain significance (1 of 4 stars; one submission).

Conditions:
RYR1-related disorder. Also called: RYR1-related condition; RYR1-related disorders. Identifiers: MedGen CN239331.

Allele frequency attached by ClinVar (database versions not stated): gnomAD exomes below 0.00001; TOPMed 0.00001.
gnomAD v4.1: 5 of 1,614,114 alleles (0.00031%); highest among the groups gnomAD compares: Non-Finnish European, 0.000085%; no homozygotes.

Submission:

Labcorp Genetics (formerly Invitae), Labcorp
Classification: Uncertain significance for RYR1-related disorder. Last evaluated: 2022-06-22. Review status: criteria provided, single submitter. Criteria: Invitae Variant Classification Sherloc (09022015). Collection method: clinical testing. Allele origin: germline.
Comment: This sequence change replaces aspartic acid, which is acidic and polar, with asparagine, which is neutral and polar, at codon 133 of the RYR1 protein (p.Asp133Asn). The frequency data for this variant in the population databases is considered unreliable, as metrics indicate poor data quality at this position in the gnomAD database. This variant has not been reported in the literature in individuals affected with RYR1-related conditions. Algorithms developed to predict the effect of missense changes on protein structure and function are either unavailable or do not agree on the potential impact of this missense change (SIFT: "Tolerated"; PolyPhen-2: "Probably Damaging"; Align-GVGD: "Class C0"). In summary, the available evidence is currently insufficient to determine the role of this variant in disease. Therefore, it has been classified as a Variant of Uncertain Significance.

NM_000540.3(RYR1):c.397G>A (p.Asp133Asn)

Gene: RYR1 (ryanodine receptor 1; plus strand). Cytogenetic location: 19q13.2.
Variant type: single nucleotide variant.
Coding change: c.397G>A on transcript NM_000540.3 (MANE Select); coding-DNA position 397, G replaced by A.
Protein change: p.Asp133Asn; replaces aspartic acid 133 with asparagine.
Molecular consequence: missense variant.
Genome position (GRCh38, 1-based): chr19:38,443,769, G>A. VCF-style: chr19-38443769-G-A. GRCh37 (hg19) VCF-style: chr19-38934409-G-A.
Other names: c.397G>A, p.Asp133Asn (NM_001042723.2); short protein forms D133N.
Identifiers: ClinVar variation 2058702 (VCV002058702.1), dbSNP rs997792029, ClinGen allele CA308111293.